The following is an entry in ClinVar:

ClinVar aggregate classification (germline): Uncertain significance (1 of 4 stars; one submission).

Conditions:
Progressive myoclonic epilepsy type 7. Identifiers: Orphanet 435438, MedGen C4015420, MONDO:0014521, OMIM 616187.

Submission:

Diagnostics Services (NGS), CSIR - Centre For Cellular And Molecular Biology
Classification: Uncertain significance for Progressive myoclonic epilepsy type 7. Last evaluated: 2026-07-01. Review status: criteria provided, single submitter. Criteria: ACMG Guidelines, 2015. Collection method: clinical testing. Allele origin: germline. Affected: yes. Observed: 1 variant allele, 1 heterozygote.
Comment: The c.1199C>T variant is not present in publicly available population databases like 1000 Genomes, EVS, gnomAD, Indian Exome Database or in our internal database. This variant has neither been published in the literature for KCNC1-related conditions nor reported to clinical databases like Human Genome Mutation database (HGMD), OMIM, or ClinVar in any affected individuals. In-silico pathogenicity prediction programs like SIFT, Polyphen-2, MutationTaster2021, REVEL, CADD, Franklin etc predicted this variant to be likely deleterious, however these predictions were not confirmed by published functional studies. A different amino acid change in the same codon (Thr400Asn) has been previously observed in individual(s) with clinical features of KCNC1-related conditions and reported to the ClinVar database (Accession: VCV002856264.3) as ‘Pathogenic’ by a single submitter.

NM_001112741.2(KCNC1):c.1199C>T (p.Thr400Ile)

Gene: KCNC1 (potassium voltage-gated channel subfamily C member 1; plus strand). Cytogenetic location: 11p15.1.
Variant type: single nucleotide variant.
Coding change: c.1199C>T on transcript NM_001112741.2 (MANE Select); coding-DNA position 1199, C replaced by T.
Protein change: p.Thr400Ile; replaces threonine 400 with isoleucine.
Molecular consequence: missense variant.
Genome position (GRCh38, 1-based): chr11:17,772,293, C>T. VCF-style: chr11-17772293-C-T. GRCh37 (hg19) VCF-style: chr11-17793840-C-T.
Other names: c.1199C>T, p.Thr400Ile (NM_004976.4); short protein forms T400I.
Identifiers: ClinVar variation 4884471 (VCV004884471.1).